The following is an entry in ClinVar:

ClinVar aggregate classification (germline): Uncertain significance (1 of 4 stars; one submission).

Conditions:
Multiple endocrine neoplasia, type 2 (MEN2). Identifiers: Orphanet 653, MedGen C4048306, MONDO:0019003. Disease mechanism: gain of function.

Submission:

Labcorp Genetics (formerly Invitae), Labcorp
Classification: Uncertain significance for Multiple endocrine neoplasia, type 2. Last evaluated: 2023-06-05. Review status: criteria provided, single submitter. Criteria: Invitae Variant Classification Sherloc (09022015). Collection method: clinical testing. Allele origin: germline.
Comment: This sequence change replaces serine, which is neutral and polar, with glycine, which is neutral and non-polar, at codon 686 of the RET protein (p.Ser686Gly). In summary, the available evidence is currently insufficient to determine the role of this variant in disease. Therefore, it has been classified as a Variant of Uncertain Significance. An algorithm developed to predict the effect of missense changes on protein structure and function (PolyPhen-2) suggests that this variant is likely to be disruptive. This variant has not been reported in the literature in individuals affected with RET-related conditions. This variant is not present in population databases (gnomAD no frequency).

NM_020975.6(RET):c.2056A>G (p.Ser686Gly)

Gene: RET (ret proto-oncogene; plus strand). Cytogenetic location: 10q11.21.
Variant type: single nucleotide variant.
Coding change: c.2056A>G on transcript NM_020975.6 (MANE Select); coding-DNA position 2056, A replaced by G.
Protein change: p.Ser686Gly; replaces serine 686 with glycine.
Molecular consequence: missense variant.
Genome position (GRCh38, 1-based): chr10:43,114,656, A>G. VCF-style: chr10-43114656-A-G. GRCh37 (hg19) VCF-style: chr10-43610104-A-G.
Other names: c.2056A>G, p.Ser686Gly (NM_000323.2, NM_001406743.1, NM_001406744.1 and 4 more transcripts); c.1294A>G, p.Ser432Gly (NM_001355216.2); c.1792A>G, p.Ser598Gly (NM_001406768.1); c.1660A>G, p.Ser554Gly (NM_001406769.1, NM_001406772.1); c.1768A>G, p.Ser590Gly (NM_001406770.1, NM_001406766.1, NM_001406767.1); c.1618A>G, p.Ser540Gly (NM_001406771.1, NM_001406773.1); c.1531A>G, p.Ser511Gly (NM_001406774.1); c.1330A>G, p.Ser444Gly (NM_001406775.1, NM_001406776.1, NM_001406777.1 and 1 more transcripts); and 10 more; short protein forms S344G, S347G, S686G, S291G, S511G, S554G, S598G, S643G.
Identifiers: ClinVar variation 2769687 (VCV002769687.3), dbSNP rs2132852030, ClinGen allele CA376553221.